The following is an entry in ClinVar:

NM_000059.4(BRCA2):c.6060A>G (p.Glu2020=)

Gene: BRCA2 (BRCA2 DNA repair associated; plus strand). Cytogenetic location: 13q13.1.
Variant type: single nucleotide variant.
Coding change: c.6060A>G on transcript NM_000059.4 (MANE Select); coding-DNA position 6060, A replaced by G.
Protein change: p.Glu2020=; no amino-acid change (glutamic acid 2020 retained).
Molecular consequence: synonymous variant.
Genome position (GRCh38, 1-based): chr13:32,340,415, A>G. VCF-style: chr13-32340415-A-G. GRCh37 (hg19) VCF-style: chr13-32914552-A-G.
Identifiers: ClinVar variation 438992 (VCV000438992.15), dbSNP rs1555284516, ClinGen allele CA483439043.

ClinVar aggregate classification (germline): Conflicting classifications of pathogenicity. Review status: criteria provided, conflicting classifications (1 of 4 stars). 3 submissions from 3 submitters: Uncertain significance (2); Likely benign (1). Last evaluated 2021-12-17.

Conditions:
Hereditary breast ovarian cancer syndrome. Also called: Breast and ovarian cancer; Hereditary breast and ovarian cancer; BRCA1- and BRCA2-Associated Hereditary Breast and Ovarian Cancer; Hereditary breast and/or ovarian cancer syndrome; Hereditary breast and ovarian cancer syndrome; Hereditary breast and ovarian cancer syndrome (HBOC). Identifiers: Orphanet 145, MedGen C0677776, MeSH D061325, MONDO:0003582. Disease mechanism: loss of function.

Submissions (3):

Genetic Services Laboratory, University of Chicago
Classification: Uncertain significance. Last evaluated: 2021-12-17. Review status: criteria provided, single submitter. Criteria: ACMG Guidelines, 2015. Collection method: clinical testing. Allele origin: germline. Affected: no.

Labcorp Genetics (formerly Invitae), Labcorp
Classification: Likely benign for Hereditary breast ovarian cancer syndrome. Last evaluated: 2020-10-03. Review status: criteria provided, single submitter. Criteria: Invitae Variant Classification Sherloc (09022015). Collection method: clinical testing. Allele origin: germline.

Quest Diagnostics Nichols Institute San Juan Capistrano
Classification: Uncertain significance. Last evaluated: 2017-06-13. Review status: criteria provided, single submitter. Criteria: Quest Diagnostics criteria. Collection method: clinical testing. Allele origin: unknown.
Comment: To the best of our knowledge, the variant has not been reported in the published literature. It also has not been reported in large, multi-ethnic general populations. Analysis of this variant using software algorithms for the prediction of the effect of nucleotide changes on splicing yielded predictions that this variant does not affect BRCA2 mRNA splicing . Based on the available information, we are unable to determine the clinical significance of this variant.